The following is an entry in ClinVar:

NM_080680.3(COL11A2):c.519del (p.Pro174fs)

Gene: COL11A2 (collagen type XI alpha 2 chain; minus strand). Cytogenetic location: 6p21.32.
Variant type: Deletion.
Coding change: c.519del on transcript NM_080680.3 (MANE Select); coding-DNA position 519, one base deleted (G; older notation c.519delG).
Protein change: p.Pro174fs; shifts the reading frame from proline 174.
Molecular consequence: frameshift variant. On other transcripts: 5 prime UTR variant (3), non-coding transcript variant (1).
Genome position (GRCh38, 1-based): chr6:33,188,449, C deleted on the plus strand (G on the coding strand, the reverse complement: COL11A2 is on the minus strand); the first of 2 consecutive C bases (chr6:33,188,449-33,188,450); deleting either gives the same sequence. VCF-style (leftmost placement, unchanged base first): chr6-33188448-GC-G. GRCh37 (hg19) VCF-style: chr6-33156225-GC-G.
Other names: c.519del, p.Pro174fs (NM_001163771.2, NM_001424108.1, NM_080679.3 and 1 more transcripts); c.-328del (NM_001424109.1, NM_001424110.1, NM_001424111.1); short protein forms P174fs.
Identifiers: ClinVar variation 2730979 (VCV002730979.3), dbSNP rs2535535951, ClinGen allele CA2697553251.

ClinVar aggregate classification (germline): Pathogenic (1 of 4 stars; one submission).

Submission:

Labcorp Genetics (formerly Invitae), Labcorp
Classification: Pathogenic. Last evaluated: 2022-12-31. Review status: criteria provided, single submitter. Criteria: Invitae Variant Classification Sherloc (09022015). Collection method: clinical testing. Allele origin: germline.
Comment: For these reasons, this variant has been classified as Pathogenic. This variant has not been reported in the literature in individuals affected with COL11A2-related conditions. This variant is not present in population databases (gnomAD no frequency). This sequence change creates a premature translational stop signal (p.Pro174Leufs*15) in the COL11A2 gene. It is expected to result in an absent or disrupted protein product. Loss-of-function variants in COL11A2 are known to be pathogenic (PMID: 10677296, 21204229).

Literature cited by the submitters: PubMed 10677296; PubMed 21204229.